The following is an entry in ClinVar:

NM_080632.3(UPF3B):c.883T>C (p.Leu295=)

Gene: UPF3B (UPF3B regulator of nonsense mediated mRNA decay; minus strand). Cytogenetic location: Xq24.
Variant type: single nucleotide variant.
Coding change: c.883T>C on transcript NM_080632.3 (MANE Select); coding-DNA position 883, T replaced by C.
Protein change: p.Leu295=; no amino-acid change (leucine 295 retained).
Molecular consequence: synonymous variant.
Genome position (GRCh38, 1-based): chrX:119,838,491, A>G on the plus strand (T>C on the coding strand, the complement: UPF3B is on the minus strand). VCF-style: chrX-119838491-A-G. GRCh37 (hg19) VCF-style: chrX-118972454-A-G.
Other names: c.844T>C, p.Leu282= (NM_023010.4).
Identifiers: ClinVar variation 384722 (VCV000384722.11), dbSNP rs755087452, ClinGen allele CA10503241.
Genomic context (GRCh38, chrX:119,838,491, plus strand): 5'-TGGCTCTTTCATCACTGAGATTCTCTTTGTCCAATTTCTTGGCTTTTTCTCTTTTGTCCA[A>G]TTCTTTTTCATCTCCTTTTTCTGGCTTCTTGAGCAGCTTTAAAGATAAAATGTTTATTTT-3'
Protein context (NP_542199.1, residues 285-305): KKPEKGDEKE[Leu295=]DKREKAKKLD

ClinVar aggregate classification (germline): Benign/Likely benign. Review status: criteria provided, multiple submitters, no conflicts (2 of 4 stars). 4 submissions from 4 submitters: Benign (1); Likely benign (3). Last evaluated 2025-11-22.

Conditions:
Inborn genetic diseases. Identifiers: MedGen C0950123, MeSH D030342.
Intellectual developmental disorder, X-linked, syndromic 14. Also called: Syndromic X-linked intellectual disability 14. Identifiers: Orphanet 776, MedGen C1970822, MONDO:0010398, OMIM 300676.

Allele frequency attached by ClinVar (database versions not stated): gnomAD 0.00003; gnomAD exomes 0.00003 and 0.00008; TOPMed 0.00007; ExAC 0.00001.
gnomAD v4.1: 90 of 1,209,458 alleles (0.0074%); highest among the groups gnomAD compares: Non-Finnish European, 0.0093%; no homozygotes.

Submissions (4):

Labcorp Genetics (formerly Invitae), Labcorp
Classification: Benign for Intellectual developmental disorder, X-linked, syndromic 14. Last evaluated: 2025-11-22. Review status: criteria provided, single submitter. Criteria: Invitae Variant Classification Sherloc (09022015). Collection method: clinical testing. Allele origin: germline.

Ambry Genetics
Classification: Likely benign for Inborn genetic diseases. Last evaluated: 2018-02-27. Review status: criteria provided, single submitter. Criteria: Ambry Variant Classification Scheme 2023. Collection method: clinical testing. Allele origin: germline.

GeneDx
Classification: Likely benign. Last evaluated: 2016-11-25. Review status: criteria provided, single submitter. Criteria: GeneDx Variant Classification (06012015). Collection method: clinical testing. Allele origin: germline. Affected: yes.
Comment: This variant is considered likely benign or benign based on one or more of the following criteria: it is a conservative change, it occurs at a poorly conserved position in the protein, it is predicted to be benign by multiple in silico algorithms, and/or has population frequency not consistent with disease.

Genetic Services Laboratory, University of Chicago
Classification: Likely benign. Last evaluated: 2015-11-25. Review status: criteria provided, single submitter. Criteria: ACMG Guidelines, 2015. Collection method: clinical testing. Allele origin: germline. Affected: no.